The following is an entry in ClinVar:

NM_001100.4(ACTA1):c.425T>G (p.Leu142Arg)

Gene: ACTA1 (actin alpha 1, skeletal muscle; minus strand). Cytogenetic location: 1q42.13.
Variant type: single nucleotide variant.
Coding change: c.425T>G on transcript NM_001100.4 (MANE Select); coding-DNA position 425, T replaced by G.
Protein change: p.Leu142Arg; replaces leucine 142 with arginine.
Molecular consequence: missense variant.
Genome position (GRCh38, 1-based): chr1:229,432,585, A>C on the plus strand (T>G on the coding strand, the complement: ACTA1 is on the minus strand). VCF-style: chr1-229432585-A-C. GRCh37 (hg19) VCF-style: chr1-229568332-A-C.
Other names: short protein forms L142R.
Identifiers: ClinVar variation 1409843 (VCV001409843.8), dbSNP rs1553255482, ClinGen allele CA345149205.

ClinVar aggregate classification (germline): Uncertain significance (1 of 4 stars; one submission).

Conditions:
Actin accumulation myopathy (CMYO2A). Also called: CONGENITAL MYOPATHY 2A, TYPICAL, AUTOSOMAL DOMINANT; Nemaline myopathy type 3; Myopathy, actin, congenital, with excess of thin myofilaments; Myopathy, actin, congenital, with cores; Nemaline myopathy 3, with intranuclear rods. Identifiers: Orphanet 98904, MedGen C3711389, MONDO:0008070, OMIM 161800.

Submission:

Labcorp Genetics (formerly Invitae), Labcorp
Classification: Uncertain significance for Actin accumulation myopathy. Last evaluated: 2022-01-22. Review status: criteria provided, single submitter. Criteria: Invitae Variant Classification Sherloc (09022015). Collection method: clinical testing. Allele origin: germline.
Comment: In summary, the available evidence is currently insufficient to determine the role of this variant in disease. Therefore, it has been classified as a Variant of Uncertain Significance. Advanced modeling of protein sequence and biophysical properties (such as structural, functional, and spatial information, amino acid conservation, physicochemical variation, residue mobility, and thermodynamic stability) performed at Invitae indicates that this missense variant is expected to disrupt ACTA1 protein function. This variant has not been reported in the literature in individuals affected with ACTA1-related conditions. This variant is not present in population databases (gnomAD no frequency). This sequence change replaces leucine, which is neutral and non-polar, with arginine, which is basic and polar, at codon 142 of the ACTA1 protein (p.Leu142Arg).